The following is an entry in ClinVar:

ClinVar aggregate classification (germline): Benign. Review status: criteria provided, multiple submitters, no conflicts (2 of 4 stars). 2 submissions from 2 submitters: Benign (2). Last evaluated 2018-06-19.

Allele frequency attached by ClinVar (database versions not stated): TOPMed 0.45823; 1000 Genomes Project 30x 0.48735; 1000 Genomes Project 0.49062.
gnomAD v4.1: 227,174 of 521,854 alleles (44%); highest among the groups gnomAD compares: African/African-American, 58%; 51,520 homozygotes.

Submissions (2):

GeneDx
Classification: Benign. Last evaluated: 2018-06-19. Review status: criteria provided, single submitter. Criteria: GeneDx Variant Classification (06012015). Collection method: clinical testing. Allele origin: germline. Affected: yes.
Comment: This variant is considered likely benign or benign based on one or more of the following criteria: it is a conservative change, it occurs at a poorly conserved position in the protein, it is predicted to be benign by multiple in silico algorithms, and/or has population frequency not consistent with disease.

Breakthrough Genomics
Classification: Benign. Review status: criteria provided, single submitter. Criteria: ACMG Guidelines, 2015. Collection method: not provided. Allele origin: germline. Inheritance: Autosomal recessive inheritance. Affected: yes.

NM_001042545.2(LTBP4):c.1685-272C>G

Gene: LTBP4 (latent transforming growth factor beta binding protein 4; plus strand). Cytogenetic location: 19q13.2.
Variant type: single nucleotide variant.
Coding change: c.1685-272C>G on transcript NM_001042545.2 (MANE Select); 272 bases into the intron before coding-DNA position 1685, C replaced by G.
Molecular consequence: intron variant.
Genome position (GRCh38, 1-based): chr19:40,610,260, C>G. VCF-style: chr19-40610260-C-G. GRCh37 (hg19) VCF-style: chr19-41116166-C-G.
Other names: c.1775-272C>G (NM_003573.2); c.1886-272C>G (NM_001042544.1).
Identifiers: ClinVar variation 683627 (VCV000683627.2), dbSNP rs1869712, ClinGen allele CA14642996.